The following is an entry in ClinVar:

NM_000063.6(C2):c.1757T>C (p.Met586Thr)

Gene: C2 (complement C2; plus strand). Cytogenetic location: 6p21.33.
Variant type: single nucleotide variant.
Coding change: c.1757T>C on transcript NM_000063.6 (MANE Select); coding-DNA position 1757, T replaced by C.
Protein change: p.Met586Thr; replaces methionine 586 with threonine.
Molecular consequence: missense variant.
Genome position (GRCh38, 1-based): chr6:31,943,940, T>C. VCF-style: chr6-31943940-T-C. GRCh37 (hg19) VCF-style: chr6-31911717-T-C.
Other names: c.1361T>C, p.Met454Thr (NM_001145903.3); c.1115T>C, p.Met372Thr (NM_001178063.3); c.1019T>C, p.Met340Thr (NM_001282457.2); c.1670T>C, p.Met557Thr (NM_001282458.2); short protein forms M454T, M557T, M340T, M372T, M586T.
Identifiers: ClinVar variation 1463915 (VCV001463915.6), dbSNP rs1159276720, ClinGen allele CA363380584.

ClinVar aggregate classification (germline): Uncertain significance (1 of 4 stars; one submission).

Allele frequency attached by ClinVar (database versions not stated): gnomAD exomes below 0.00001 and 0.00001.
gnomAD v4.1: 4 of 1,612,908 alleles (0.00025%); highest among the groups gnomAD compares: Non-Finnish European, 0.00025%; no homozygotes.

Submission:

Labcorp Genetics (formerly Invitae), Labcorp
Classification: Uncertain significance. Last evaluated: 2022-01-03. Review status: criteria provided, single submitter. Criteria: Invitae Variant Classification Sherloc (09022015). Collection method: clinical testing. Allele origin: germline.
Comment: In summary, the available evidence is currently insufficient to determine the role of this variant in disease. Therefore, it has been classified as a Variant of Uncertain Significance. Algorithms developed to predict the effect of missense changes on protein structure and function are either unavailable or do not agree on the potential impact of this missense change (SIFT: "Deleterious"; PolyPhen-2: "Benign"; Align-GVGD: "Class C25"). This variant has not been reported in the literature in individuals affected with C2-related conditions. This variant is present in population databases (no rsID available, gnomAD 0.0009%). This sequence change replaces methionine, which is neutral and non-polar, with threonine, which is neutral and polar, at codon 586 of the C2 protein (p.Met586Thr).